The following is an entry in ClinVar:

ClinVar aggregate classification (germline): Uncertain significance (1 of 4 stars; one submission).

Submission:

Ambry Genetics
Classification: Uncertain significance. Last evaluated: 2024-12-01. Review status: criteria provided, single submitter. Criteria: Ambry Variant Classification Scheme 2023. Collection method: clinical testing. Allele origin: germline.
Comment: The p.L619F variant (also known as c.1855C>T), located in coding exon 8 of the RNF43 gene, results from a C to T substitution at nucleotide position 1855. The leucine at codon 619 is replaced by phenylalanine, an amino acid with highly similar properties. This amino acid position is conserved. In addition, this alteration is predicted to be tolerated by in silico analysis. Based on the available evidence, the clinical significance of this variant remains unclear.

NM_017763.6(RNF43):c.1855C>T (p.Leu619Phe)

Gene: RNF43 (ring finger protein 43; minus strand). Cytogenetic location: 17q22.
Variant type: single nucleotide variant.
Coding change: c.1855C>T on transcript NM_017763.6 (MANE Select); coding-DNA position 1855, C replaced by T.
Protein change: p.Leu619Phe; replaces leucine 619 with phenylalanine.
Molecular consequence: missense variant.
Genome position (GRCh38, 1-based): chr17:58,357,921, G>A on the plus strand (C>T on the coding strand, the complement: RNF43 is on the minus strand). VCF-style: chr17-58357921-G-A. GRCh37 (hg19) VCF-style: chr17-56435282-G-A.
Other names: c.1855C>T, p.Leu619Phe (NM_001305544.3); c.1474C>T, p.Leu492Phe (NM_001305545.2); short protein forms L492F, L619F.
Identifiers: ClinVar variation 3434533 (VCV003434533.1).